The following is an entry in ClinVar:

NM_000517.6(HBA2):c.335C>T (p.Ala112Val)

Genes: HBA2 (hemoglobin subunit alpha 2; plus strand), LOC106804612 (hemoglobin subunit alpha 2 recombination region; plus strand). Cytogenetic location: 16p13.3.
Variant type: single nucleotide variant.
Coding change: c.335C>T on transcript NM_000517.6 (MANE Select); coding-DNA position 335, C replaced by T.
Protein change: p.Ala112Val; replaces alanine 112 with valine.
Molecular consequence: missense variant.
Genome position (GRCh38, 1-based): chr16:173,506, C>T. VCF-style: chr16-173506-C-T. GRCh37 (hg19) VCF-style: chr16-223505-C-T.
Other names: short protein forms A112V.
Identifiers: ClinVar variation 3572111 (VCV003572111.1).
Genomic context (GRCh38, chr16:173,506, plus strand): 5'-CCGCACTGACCCTCTTCTCTGCACAGCTCCTAAGCCACTGCCTGCTGGTGACCCTGGCCG[C>T]CCACCTCCCCGCCGAGTTCACCCCTGCGGTGCACGCCTCCCTGGACAAGTTCCTGGCTTC-3'
Protein context (NP_000508.1, residues 102-122): LSHCLLVTLA[Ala112Val]HLPAEFTPAV

ClinVar aggregate classification (germline): Uncertain significance (1 of 4 stars; one submission).

Submission:

Quest Diagnostics Nichols Institute San Juan Capistrano
Classification: Uncertain significance. Last evaluated: 2024-05-01. Review status: criteria provided, single submitter. Criteria: Quest Diagnostics criteria. Collection method: clinical testing. Allele origin: unknown.
Comment: The HBA2 c.335C>T (p.Ala112Val) variant has been reported in the published literature as having normal stability (PMID: 7615398 (1995)). Individuals heterozygous for this variant have normal clinical presentations (HbVar). The frequency of this variant in the general population, 0.000004 (1/246972 chromosomes (Genome Aggregation Database)), is uninformative in the assessment of its pathogenicity. Analysis of this variant using bioinformatics tools for the prediction of the effect of amino acid changes on protein structure and function yielded conflicting predictions that this variant is deleterious or benign. Based on the available information, we are unable to determine the clinical significance of this variant.

Literature cited by the submitters: PubMed 31553106; PubMed 32420790; PubMed 7615398; PubMed 21297231.